The following is an entry in ClinVar:

NM_000159.4(GCDH):c.278A>T (p.His93Leu)

Gene: GCDH (glutaryl-CoA dehydrogenase; plus strand). Cytogenetic location: 19p13.13.
Variant type: single nucleotide variant.
Coding change: c.278A>T on transcript NM_000159.4 (MANE Select); coding-DNA position 278, A replaced by T.
Protein change: p.His93Leu; replaces histidine 93 with leucine.
Molecular consequence: missense variant. On other transcripts: non-coding transcript variant (1).
Genome position (GRCh38, 1-based): chr19:12,892,122, A>T. VCF-style: chr19-12892122-A-T. GRCh37 (hg19) VCF-style: chr19-13002936-A-T.
Other names: c.278A>T, p.His93Leu (NM_013976.5); short protein forms H93L.
Identifiers: ClinVar variation 1509760 (VCV001509760.6), dbSNP rs398123192, ClinGen allele CA305500208.

ClinVar aggregate classification (germline): Likely pathogenic (1 of 4 stars; one submission).

Conditions:
Glutaric aciduria, type 1. Also called: Glutaric Acidemia Type 1; Glutaryl-CoA dehydrogenase deficiency; Glutaricacidemia Type 1; GA I; Glutaricaciduria, type I; Glutaric acidemia type I. Identifiers: Orphanet 25, MedGen C0268595, MONDO:0009281, OMIM 231670.

Allele frequency attached by ClinVar (database versions not stated): gnomAD 0.00001; TOPMed 0.00002.
gnomAD v4.1: 4 of 1,613,978 alleles (0.00025%); highest among the groups gnomAD compares: African/African-American, 0.004%; no homozygotes.

Submission:

Labcorp Genetics (formerly Invitae), Labcorp
Classification: Likely pathogenic for Glutaric aciduria, type 1. Last evaluated: 2021-09-01. Review status: criteria provided, single submitter. Criteria: Invitae Variant Classification Sherloc (09022015). Collection method: clinical testing. Allele origin: germline.
Comment: In summary, the currently available evidence indicates that the variant is pathogenic, but additional data are needed to prove that conclusively. Therefore, this variant has been classified as Likely Pathogenic. Advanced modeling of protein sequence and biophysical properties (such as structural, functional, and spatial information, amino acid conservation, physicochemical variation, residue mobility, and thermodynamic stability) performed at Invitae indicates that this missense variant is expected to disrupt GCDH protein function. This sequence change replaces histidine with leucine at codon 93 of the GCDH protein (p.His93Leu). The histidine residue is moderately conserved and there is a moderate physicochemical difference between histidine and leucine. This variant is not present in population databases (ExAC no frequency). This missense change has been observed in individual(s) with glutaric acidemia, type I (PMID: 27397597).

Literature cited by the submitters: PubMed 27397597.